The following is an entry in ClinVar:

NM_000257.4(MYH7):c.4989_4993dup (p.Asp1665fs)

Genes: MHRT (myosin heavy chain associated RNA transcript; plus strand), MYH7 (myosin heavy chain 7; minus strand), LOC126861897 (BRD4-independent group 4 enhancer GRCh37_chr14:23884455-23885654; plus strand). Cytogenetic location: 14q11.2.
Variant type: Duplication.
Coding change: c.4989_4993dup on transcript NM_000257.4 (MANE Select); coding-DNA positions 4989 to 4993, 5 bases duplicated (CAACG; older notation c.4989_4993dupCAACG).
Protein change: p.Asp1665fs; shifts the reading frame from aspartic acid 1665.
Molecular consequence: frameshift variant. On other transcripts: non-coding transcript variant (1).
Genome position (GRCh38, 1-based): chr14:23,415,793-23,415,797, CGTTG duplicated on the plus strand (CAACG on the coding strand, the reverse complement: MYH7 is on the minus strand). VCF-style (leftmost placement, unchanged base first): chr14-23415792-T-TCGTTG. GRCh37 (hg19) VCF-style: chr14-23885001-T-TCGTTG.
Other names: c.4989_4993dup, p.Asp1665fs (NM_001407004.1); short protein forms D1665fs.
Identifiers: ClinVar variation 4733089 (VCV004733089.1).

ClinVar aggregate classification (germline): Uncertain significance (1 of 4 stars; one submission).

Conditions:
Hypertrophic cardiomyopathy. Also called: HYPERTROPHIC MYOCARDIOPATHY. Identifiers: Orphanet 217569, MedGen C0007194, MeSH D002312, MONDO:0005045, HP:0001639.

Submission:

Labcorp Genetics (formerly Invitae), Labcorp
Classification: Uncertain significance for Hypertrophic cardiomyopathy. Last evaluated: 2025-12-13. Review status: criteria provided, single submitter. Criteria: Invitae Variant Classification Sherloc (09022015). Collection method: clinical testing. Allele origin: germline.
Comment: This sequence change creates a premature translational stop signal (p.Asp1665Alafs*5) in the MYH7 gene. It is expected to result in an absent or disrupted protein product. However, the current clinical and genetic evidence is not sufficient to establish whether loss-of-function variants in MYH7 cause disease. This variant is not present in population databases (gnomAD no frequency). This variant has not been reported in the literature in individuals affected with MYH7-related conditions. In summary, the available evidence is currently insufficient to determine the role of this variant in disease. Therefore, it has been classified as a Variant of Uncertain Significance.